The following is an entry in ClinVar:

ClinVar aggregate classification (germline): Uncertain significance (1 of 4 stars; one submission).

Conditions:
Hereditary cancer-predisposing syndrome. Also called: Tumor predisposition; Hereditary neoplastic syndrome; Hereditary Cancer Syndrome; Neoplastic Syndromes, Hereditary. Identifiers: Orphanet 140162, MedGen C0027672, MeSH D009386, MONDO:0015356.

Submission:

Ambry Genetics
Classification: Uncertain significance for Hereditary cancer-predisposing syndrome. Last evaluated: 2025-04-18. Review status: criteria provided, single submitter. Criteria: Ambry Variant Classification Scheme 2023. Collection method: clinical testing. Allele origin: germline.
Comment: The p.V411L variant (also known as c.1231G>C), located in coding exon 10 of the POT1 gene, results from a G to C substitution at nucleotide position 1231. The valine at codon 411 is replaced by leucine, an amino acid with highly similar properties. This amino acid position is conserved. In addition, this alteration is predicted to be tolerated by in silico analysis. Based on the available evidence, the clinical significance of this variant remains unclear.

NM_015450.3(POT1):c.1231G>C (p.Val411Leu)

Gene: POT1 (protection of telomeres 1; minus strand). Cytogenetic location: 7q31.33.
Variant type: single nucleotide variant.
Coding change: c.1231G>C on transcript NM_015450.3 (MANE Select); coding-DNA position 1231, G replaced by C.
Protein change: p.Val411Leu; replaces valine 411 with leucine.
Molecular consequence: missense variant. On other transcripts: non-coding transcript variant (3).
Genome position (GRCh38, 1-based): chr7:124,841,111, C>G on the plus strand (G>C on the coding strand, the complement: POT1 is on the minus strand). VCF-style: chr7-124841111-C-G. GRCh37 (hg19) VCF-style: chr7-124481165-C-G.
Other names: c.838G>C, p.Val280Leu (NM_001042594.2); short protein forms V280L, V411L.
Identifiers: ClinVar variation 3936287 (VCV003936287.1).